The following is an entry in ClinVar:

ClinVar aggregate classification (germline): Benign/Likely benign. Review status: criteria provided, multiple submitters, no conflicts (2 of 4 stars). 6 submissions from 5 submitters: Benign (2); Likely benign (4). Last evaluated 2026-01-22.

Conditions:
MYH9-related disorder. Identifiers: MedGen C1854520.
Autosomal dominant nonsyndromic hearing loss 17. Also called: Autosomal dominant nonsyndromic deafness 17; Deafness, autosomal dominant 17. Identifiers: Orphanet 90635, MedGen C1863659, MONDO:0011350, OMIM 603622.
Macrothrombocytopenia and granulocyte inclusions with or without nephritis or sensorineural hearing loss (MATINS). Also called: MYH9-Related Disease (MYH9-RD); BLEEDING DISORDER, PLATELET-TYPE, 6; DOHLE LEUKOCYTE INCLUSIONS WITH GIANT PLATELETS; SEBASTIAN PLATELET SYNDROME; MACROTHROMBOCYTOPENIA WITH DISPERSED LEUKOCYTIC INCLUSIONS; MACROTHROMBOCYTOPENIA, NEPHRITIS, AND DEAFNESS. Identifiers: Orphanet 182050, MedGen C5200934, MONDO:0015912, OMIM 155100.

Allele frequency attached by ClinVar (database versions not stated): 1000 Genomes Project 0.00040; 1000 Genomes Project 30x 0.00047; ExAC 0.00091; gnomAD exomes 0.00092 and 0.00167; TOPMed 0.00132; gnomAD 0.00136 and 0.00139; ESP Exome Variant Server 0.00192.
gnomAD v4.1: 2,649 of 1,613,196 alleles (0.16%); highest among the groups gnomAD compares: Admixed American, 0.2%; 2 homozygotes.

Submissions (6):

Labcorp Genetics (formerly Invitae), Labcorp
Classification: Benign. Last evaluated: 2026-01-22. Review status: criteria provided, single submitter. Criteria: Invitae Variant Classification Sherloc (09022015). Collection method: clinical testing. Allele origin: germline.

Blueprint Genetics
Classification: Likely benign. Last evaluated: 2024-11-20. Review status: criteria provided, single submitter. Criteria: ACMG Guidelines, 2015. Collection method: clinical testing. Allele origin: germline.

Fulgent Genetics
Classification: Likely benign for Macrothrombocytopenia and granulocyte inclusions with or without nephritis or sensorineural hearing loss; Autosomal dominant nonsyndromic hearing loss 17. Last evaluated: 2021-10-15. Review status: criteria provided, single submitter. Criteria: ACMG Guidelines, 2015. Collection method: clinical testing. Allele origin: unknown.

Illumina Laboratory Services, Illumina
Classification: Benign for MYH9-related disorder. Last evaluated: 2018-01-12. Review status: criteria provided, single submitter. Criteria: ICSL Variant Classification Criteria 13 December 2019. Collection method: clinical testing. Allele origin: germline.
Comment: This variant was observed in the ICSL laboratory as part of a predisposition screen in an ostensibly healthy population. It had not been previously curated by ICSL or reported in the Human Gene Mutation Database (HGMD: prior to June 1st, 2018), and was therefore a candidate for classification through an automated scoring system. Utilizing variant allele frequency, disease prevalence and penetrance estimates, and inheritance mode, an automated score was calculated to assess if this variant is too frequent to cause the disease. Based on the score and internal cut-off values, a variant classified as benign is not then subjected to further curation. The score for this variant resulted in a classification of benign for this disease.

Illumina Laboratory Services, Illumina
Classification: Likely benign for Autosomal dominant nonsyndromic hearing loss 17. Last evaluated: 2018-01-12. Review status: criteria provided, single submitter. Criteria: ICSL Variant Classification Criteria 13 December 2019. Collection method: clinical testing. Allele origin: germline.
Comment: This variant was observed in the ICSL laboratory as part of a predisposition screen in an ostensibly healthy population. It had not been previously curated by ICSL or reported in the Human Gene Mutation Database (HGMD: prior to June 1st, 2018), and was therefore a candidate for classification through an automated scoring system. Utilizing variant allele frequency, disease prevalence and penetrance estimates, and inheritance mode, an automated score was calculated to assess if this variant is too frequent to cause the disease. Based on the score and internal cut-off values, a variant classified as likely benign is not then subjected to further curation. The score for this variant resulted in a classification of likely benign for this disease.

Laboratory for Molecular Medicine, Mass General Brigham Personalized Medicine
Classification: Likely benign. Last evaluated: 2016-03-22. Review status: criteria provided, single submitter. Criteria: LMM Criteria. Collection method: clinical testing. Allele origin: germline. Observed: 3 variant alleles.
Comment: c.705+14C>T in Intron 6 of MYH9: This variant is not expected to have clinical s ignificance because it is not located within the conserved splice consensus sequ ence and has been identified in 0.2% (15/7020) of European American chromosomes by the NHLBI Exome Sequencing Project (dbSNP r s142552338) and in 0.1% (95/ 65700) of European chromosomes by the Exome Aggrega tion Consortium (ExAC; dbSNP rs142552338).

NM_002473.6(MYH9):c.705+14C>T

Gene: MYH9 (myosin heavy chain 9; minus strand). Cytogenetic location: 22q12.3.
Variant type: single nucleotide variant.
Coding change: c.705+14C>T on transcript NM_002473.6 (MANE Select); 14 bases into the intron after coding-DNA position 705, C replaced by T.
Molecular consequence: intron variant.
Genome position (GRCh38, 1-based): chr22:36,322,415, G>A on the plus strand (C>T on the coding strand, the complement: MYH9 is on the minus strand). VCF-style: chr22-36322415-G-A. GRCh37 (hg19) VCF-style: chr22-36718460-G-A.
Identifiers: ClinVar variation 227619 (VCV000227619.17), dbSNP rs142552338, ClinGen allele CA10210511.